The following is an entry in ClinVar:

NM_001290043.2(TAP2):c.27G>C (p.Trp9Cys)

Gene: TAP2 (transporter 2, ATP binding cassette subfamily B member; minus strand). Cytogenetic location: 6p21.32.
Variant type: single nucleotide variant.
Coding change: c.27G>C on transcript NM_001290043.2 (MANE Select); coding-DNA position 27, G replaced by C.
Protein change: p.Trp9Cys; replaces tryptophan 9 with cysteine.
Molecular consequence: missense variant.
Genome position (GRCh38, 1-based): chr6:32,838,207, C>G on the plus strand (G>C on the coding strand, the complement: TAP2 is on the minus strand). VCF-style: chr6-32838207-C-G. GRCh37 (hg19) VCF-style: chr6-32805984-C-G.
Other names: c.27G>C, p.Trp9Cys (NM_000544.3, NM_018833.3); short protein forms W9C.
Identifiers: ClinVar variation 1394611 (VCV001394611.7), dbSNP rs2127368511, ClinGen allele CA363587646.

ClinVar aggregate classification (germline): Uncertain significance (1 of 4 stars; one submission).

Conditions:
MHC class I deficiency. Identifiers: Orphanet 34592, MedGen C6024714, MONDO:0011476.

Submission:

Labcorp Genetics (formerly Invitae), Labcorp
Classification: Uncertain significance for MHC class I deficiency 1. Last evaluated: 2022-11-08. Review status: criteria provided, single submitter. Criteria: Invitae Variant Classification Sherloc (09022015). Collection method: clinical testing. Allele origin: germline.
Comment: In summary, the available evidence is currently insufficient to determine the role of this variant in disease. Therefore, it has been classified as a Variant of Uncertain Significance. Algorithms developed to predict the effect of missense changes on protein structure and function output the following: SIFT: "Tolerated"; PolyPhen-2: "Not Available"; Align-GVGD: "Class C0". The cysteine amino acid residue is found in multiple mammalian species, which suggests that this missense change does not adversely affect protein function. ClinVar contains an entry for this variant (Variation ID: 1394611). This variant has not been reported in the literature in individuals affected with TAP2-related conditions. This variant is not present in population databases (gnomAD no frequency). This sequence change replaces tryptophan, which is neutral and slightly polar, with cysteine, which is neutral and slightly polar, at codon 9 of the TAP2 protein (p.Trp9Cys).